The following is an entry in ClinVar:

NM_001374736.1(DST):c.18715C>T (p.Gln6239Ter)

Gene: DST (dystonin; minus strand). Cytogenetic location: 6p12.1.
Variant type: single nucleotide variant.
Coding change: c.18715C>T on transcript NM_001374736.1 (MANE Select); coding-DNA position 18715, C replaced by T.
Protein change: p.Gln6239Ter; replaces glutamine 6239 with a stop codon.
Molecular consequence: nonsense.
Genome position (GRCh38, 1-based): chr6:56,511,262, G>A on the plus strand (C>T on the coding strand, the complement: DST is on the minus strand). VCF-style: chr6-56511262-G-A. GRCh37 (hg19) VCF-style: chr6-56376060-G-A.
Other names: c.12358C>T, p.Gln4120Ter (NM_001144769.5); c.11944C>T, p.Gln3982Ter (NM_001144770.2); c.18715C>T, p.Gln6239Ter (NM_001374722.1); c.17755C>T, p.Gln5919Ter (NM_001374729.1); c.11497C>T, p.Gln3833Ter (NM_001374730.1); c.18742C>T, p.Gln6248Ter (NM_001374734.1); c.10846C>T, p.Gln3616Ter (NM_015548.5); c.11824C>T, p.Gln3942Ter (NM_183380.4); short protein forms Q3942*, Q3616*, Q3833*, Q4120*, Q5919*, Q6239*, Q3982*, Q6248*.
Identifiers: ClinVar variation 972538 (VCV000972538.8), dbSNP rs2096469777, ClinGen allele CA364502130.

ClinVar aggregate classification (germline): Pathogenic (1 of 4 stars; one submission).

Conditions:
Epidermolysis bullosa simplex 3, localized or generalized intermediate, with BP230 deficiency (EBS3). Also called: Epidermolysis bullosa simplex due to BP230 deficiency; Epidermolysis bullosa simplex, autosomal recessive 2. Identifiers: Orphanet 412181, MedGen C3809470, MONDO:0014180, OMIM 615425.
Hereditary sensory and autonomic neuropathy type 6. Also called: Neuropathy, hereditary sensory and autonomic, type VI; HSAN VI. Identifiers: Orphanet 314381, MedGen C3539003, MONDO:0013839, OMIM 614653.

Submission:

Labcorp Genetics (formerly Invitae), Labcorp
Classification: Pathogenic for Epidermolysis bullosa simplex 3, localized or generalized intermediate, with BP230 deficiency; Hereditary sensory and autonomic neuropathy type 6. Last evaluated: 2019-03-15. Review status: criteria provided, single submitter. Criteria: Invitae Variant Classification Sherloc (09022015). Collection method: clinical testing. Allele origin: germline.
Comment: For these reasons, this variant has been classified as Pathogenic. Loss-of-function variants in DST are known to be pathogenic (PMID: 25059916). This variant has not been reported in the literature in individuals with DST-related conditions. This variant is not present in population databases (ExAC no frequency). This sequence change creates a premature translational stop signal (p.Gln3616*) in the DST gene. It is expected to result in an absent or disrupted protein product. The p.Gln3616* variant occurs in alternate transcript NM_015548.4, which corresponds to c.*104255C>T in NM_001723.5, the primary transcript listed in the Methods.

Literature cited by the submitters: PubMed 25059916.